The following is an entry in ClinVar:

NM_004525.3(LRP2):c.6081T>A (p.Asn2027Lys)

Gene: LRP2 (LDL receptor related protein 2; minus strand). Cytogenetic location: 2q31.1.
Variant type: single nucleotide variant.
Coding change: c.6081T>A on transcript NM_004525.3 (MANE Select); coding-DNA position 6081, T replaced by A.
Protein change: p.Asn2027Lys; replaces asparagine 2027 with lysine.
Molecular consequence: missense variant.
Genome position (GRCh38, 1-based): chr2:169,212,167, A>T on the plus strand (T>A on the coding strand, the complement: LRP2 is on the minus strand). VCF-style: chr2-169212167-A-T. GRCh37 (hg19) VCF-style: chr2-170068677-A-T.
Other names: short protein forms N2027K.
Identifiers: ClinVar variation 3361586 (VCV003361586.1).

ClinVar aggregate classification (germline): Uncertain significance (1 of 4 stars; one submission).

Submission:

GeneDx
Classification: Uncertain significance. Last evaluated: 2023-08-01. Review status: criteria provided, single submitter. Criteria: GeneDx Variant Classification Process June 2021. Collection method: clinical testing. Allele origin: germline. Affected: yes.
Comment: Not observed at significant frequency in large population cohorts (gnomAD); In silico analysis supports that this missense variant has a deleterious effect on protein structure/function; Has not been previously published as pathogenic or benign to our knowledge